The following is an entry in ClinVar:

ClinVar aggregate classification (germline): Uncertain significance (1 of 4 stars; one submission).

Conditions:
Early-infantile DEE. Also called: Ohtahara syndrome; Early infantile epileptic encephalopathy with suppression bursts; Early infantile epileptic encephalopathy. Identifiers: Orphanet 1934, MedGen C0393706, MONDO:0800491.

Submission:

Labcorp Genetics (formerly Invitae), Labcorp
Classification: Uncertain significance for Early-infantile DEE. Last evaluated: 2024-09-08. Review status: criteria provided, single submitter. Criteria: Invitae Variant Classification Sherloc (09022015). Collection method: clinical testing. Allele origin: germline.
Comment: This sequence change replaces threonine, which is neutral and polar, with alanine, which is neutral and non-polar, at codon 2463 of the SPTAN1 protein (p.Thr2463Ala). This variant is not present in population databases (gnomAD no frequency). This variant has not been reported in the literature in individuals affected with SPTAN1-related conditions. Invitae Evidence Modeling of protein sequence and biophysical properties (such as structural, functional, and spatial information, amino acid conservation, physicochemical variation, residue mobility, and thermodynamic stability) has been performed for this missense variant. However, the output from this modeling did not meet the statistical confidence thresholds required to predict the impact of this variant on SPTAN1 protein function. In summary, the available evidence is currently insufficient to determine the role of this variant in disease. Therefore, it has been classified as a Variant of Uncertain Significance.

NM_001130438.3(SPTAN1):c.7387A>G (p.Thr2463Ala)

Gene: SPTAN1 (spectrin alpha, non-erythrocytic 1; plus strand). Cytogenetic location: 9q34.11.
Variant type: single nucleotide variant.
Coding change: c.7387A>G on transcript NM_001130438.3 (MANE Select); coding-DNA position 7387, A replaced by G.
Protein change: p.Thr2463Ala; replaces threonine 2463 with alanine.
Molecular consequence: missense variant.
Genome position (GRCh38, 1-based): chr9:128,633,287, A>G. VCF-style: chr9-128633287-A-G. GRCh37 (hg19) VCF-style: chr9-131395566-A-G.
Other names: c.7312A>G, p.Thr2438Ala (NM_001195532.2); c.7450A>G, p.Thr2484Ala (NM_001363759.2); c.7327A>G, p.Thr2443Ala (NM_001363765.2, NM_001375314.2); c.7474A>G, p.Thr2492Ala (NM_001375310.1); c.7387A>G, p.Thr2463Ala (NM_001375311.2); c.7423A>G, p.Thr2475Ala (NM_001375312.2); c.7369A>G, p.Thr2457Ala (NM_001375313.1); c.7486A>G, p.Thr2496Ala (NM_001375318.1); and 1 more; short protein forms T2463A, T2496A, T2475A, T2484A, T2458A, T2438A, T2443A, T2457A.
Identifiers: ClinVar variation 3687457 (VCV003687457.2).